The following is an entry in ClinVar:

NM_006196.4(PCBP1):c.752T>A (p.Met251Lys)

Gene: PCBP1 (poly(rC) binding protein 1; plus strand). Cytogenetic location: 2p13.3.
Variant type: single nucleotide variant.
Coding change: c.752T>A on transcript NM_006196.4 (MANE Select); coding-DNA position 752, T replaced by A.
Protein change: p.Met251Lys; replaces methionine 251 with lysine.
Molecular consequence: missense variant.
Genome position (GRCh38, 1-based): chr2:70,088,495, T>A. VCF-style: chr2-70088495-T-A. GRCh37 (hg19) VCF-style: chr2-70315627-T-A.
Other names: short protein forms M251K.
Identifiers: ClinVar variation 4879816 (VCV004879816.1).

ClinVar aggregate classification (germline): Uncertain significance (1 of 4 stars; one submission).

Conditions:
Neurodevelopmental disorder. Identifiers: MedGen C1535926, MeSH D065886, MONDO:0700092.

Submission:

Victorian Clinical Genetics Services, Murdoch Childrens Research Institute
Classification: Uncertain significance for Neurodevelopmental disorder. Last evaluated: 2026-04-24. Review status: criteria provided, single submitter. Criteria: ACMG Guidelines, 2015. Collection method: clinical testing. Allele origin: germline. Affected: yes.
Comment: This variant is classified as VUS-3A. Evidence in support of pathogenic classification: Variant is absent from gnomAD (v2, v3 and v4); Evidence in support of benign classification: Missense variant predicted to be tolerated by in silico tool(s) or not conserved in placental mammals with a minor amino acid change. Additional information: Variant is predicted to result in a missense amino acid change from Met to Lys; This variant is heterozygous; This gene is associated with autosomal dominant disease; Alternative amino acid change(s) at the same position are present in gnomAD (highest allele count: v4: 1 heterozygote(s), 0 homozygote(s)); This variant has no previous evidence of pathogenicity; No published evidence of segregation with disease has been identified for this variant; No published functional evidence has been identified for this variant; No comparable missense variants have previous evidence for pathogenicity; Variant is not located in an established domain, motif, hotspot or informative constraint region; Loss of function is a likely mechanism of disease in this gene and is associated with neurodevelopmental disorder (MONDO:0700092), PCBP1-related (PMID: 41415500).

Literature cited by the submitters: PubMed 41415500.